The following is an entry in ClinVar:

NM_001104631.2(PDE4D):c.2033T>C (p.Ile678Thr)

Gene: PDE4D (phosphodiesterase 4D; minus strand). Cytogenetic location: 5q11.2.
Variant type: single nucleotide variant.
Coding change: c.2033T>C on transcript NM_001104631.2 (MANE Select); coding-DNA position 2033, T replaced by C.
Protein change: p.Ile678Thr; replaces isoleucine 678 with threonine.
Molecular consequence: missense variant.
Genome position (GRCh38, 1-based): chr5:58,975,061, A>G on the plus strand (T>C on the coding strand, the complement: PDE4D is on the minus strand). VCF-style: chr5-58975061-A-G. GRCh37 (hg19) VCF-style: chr5-58270888-A-G.
Other names: c.1850T>C, p.Ile617Thr (NM_001165899.2, NM_001364599.1); c.1841T>C, p.Ile614Thr (NM_001197218.2); c.1667T>C, p.Ile556Thr (NM_001197219.2); c.1643T>C, p.Ile548Thr (NM_001197220.2); c.1127T>C, p.Ile376Thr (NM_001197221.2, NM_001364603.1); c.1361T>C, p.Ile454Thr (NM_001197222.2); c.1160T>C, p.Ile387Thr (NM_001197223.2); c.1820T>C, p.Ile607Thr (NM_001349241.2); and 4 more; short protein forms I678T, I617T, I422T, I454T, I542T, I607T, I387T, I556T.
Identifiers: ClinVar variation 101053 (VCV000101053.13), dbSNP rs587777188, ClinGen allele CA150721.

ClinVar aggregate classification (germline): Pathogenic. Review status: criteria provided, multiple submitters, no conflicts (2 of 4 stars). 4 submissions from 4 submitters: Pathogenic (3). 1 of the submissions does not count toward it. Last evaluated 2025-04-08.

Conditions:
Acrodysostosis 2 with or without hormone resistance. Also called: ACRODYSOSTOSIS 2 WITH HORMONE RESISTANCE; ACRODYSOSTOSIS 2 WITHOUT HORMONE RESISTANCE. Identifiers: Orphanet 280651, MedGen C3553250, MONDO:0013822, OMIM 614613.
PDE4D-related disorder. Also called: PDE4D-related condition.

Submissions (4):

GeneDx
Classification: Pathogenic. Last evaluated: 2025-04-08. Review status: criteria provided, single submitter. Criteria: GeneDx Variant Classification Process June 2021. Collection method: clinical testing. Allele origin: germline. Affected: yes.
Comment: Published functional studies suggest a damaging effect (PMID: 25064455); Not observed at significant frequency in large population cohorts (gnomAD); In silico analysis supports that this missense variant has a deleterious effect on protein structure/function; This variant is associated with the following publications: (PMID: 25064455, 23033274, 24203977)

Blueprint Genetics
Classification: Pathogenic for PDE4D-related disorders. Last evaluated: 2021-12-16. Review status: criteria provided, single submitter. Criteria: ACMG Guidelines, 2015. Collection method: clinical testing. Allele origin: germline. Affected: yes. Observed: 1 variant allele.

Labcorp Genetics (formerly Invitae), Labcorp
Classification: Pathogenic. Last evaluated: 2021-05-06. Review status: criteria provided, single submitter. Criteria: Invitae Variant Classification Sherloc (09022015). Collection method: clinical testing. Allele origin: germline.
Comment: For these reasons, this variant has been classified as Pathogenic. This sequence change replaces isoleucine with threonine at codon 678 of the PDE4D protein (p.Ile678Thr). The isoleucine residue is highly conserved and there is a moderate physicochemical difference between isoleucine and threonine. This variant is not present in population databases (ExAC no frequency). This variant has been observed in individual(s) with acrodysostosis (PMID: 25064455, 23033274). In at least one individual the variant was observed to be de novo. This variant is also known as p.Ile617Thr. ClinVar contains an entry for this variant (Variation ID: 101053). Experimental studies have shown that this variant affects PDE4D protein function (PMID: 23033274).

OMIM
Classification: Pathogenic for ACRODYSOSTOSIS 2 WITH HORMONE RESISTANCE. Last evaluated: 2014-01-01. Review status: no assertion criteria provided. Collection method: literature only. Allele origin: germline. Not counted in ClinVar's aggregate classification.

Literature cited by the submitters: PubMed 25064455 (cited by Labcorp Genetics (formerly Invitae), Labcorp); PubMed 23033274 (cited by Labcorp Genetics (formerly Invitae), Labcorp); PubMed 24203977 (cited by OMIM).